The following is an entry in ClinVar:

ClinVar aggregate classification (germline): Uncertain significance (1 of 4 stars; one submission).

Conditions:
Andersen Tawil syndrome (LQT7). Also called: ANDERSEN CARDIODYSRHYTHMIC PERIODIC PARALYSIS; Potassium-sensitive periodic paralysis, ventricular ectopy, and dysmorphic features; PERIODIC PARALYSIS, POTASSIUM-SENSITIVE CARDIODYSRHYTHMIC TYPE; Andersen Syndrome; LONG QT SYNDROME 7. Identifiers: Orphanet 37553, MedGen C1563715, MONDO:0008222, OMIM 170390.
Short QT syndrome type 3. Identifiers: Orphanet 51083, MedGen C1865018, MONDO:0012314, OMIM 609622.

Allele frequency attached by ClinVar (database versions not stated): gnomAD 0.00001.

Submission:

Labcorp Genetics (formerly Invitae), Labcorp
Classification: Uncertain significance for Short QT syndrome type 3; Andersen Tawil syndrome. Last evaluated: 2023-10-22. Review status: criteria provided, single submitter. Criteria: Invitae Variant Classification Sherloc (09022015). Collection method: clinical testing. Allele origin: germline.
Comment: This variant, c.5_6insAAGTGTGCGAACCAACCGCTA, results in the insertion of 7 amino acid(s) of the KCNJ2 protein (p.Val4_Ser10dup), but otherwise preserves the integrity of the reading frame. This variant is not present in population databases (gnomAD no frequency). This variant has not been reported in the literature in individuals affected with KCNJ2-related conditions. ClinVar contains an entry for this variant (Variation ID: 1060281). Experimental studies and prediction algorithms are not available or were not evaluated, and the functional significance of this variant is currently unknown. In summary, the available evidence is currently insufficient to determine the role of this variant in disease. Therefore, it has been classified as a Variant of Uncertain Significance.

NM_000891.3(KCNJ2):c.5_6insAAGTGTGCGAACCAACCGCTA (p.Val4_Ser10dup)

Gene: KCNJ2 (potassium inwardly rectifying channel subfamily J member 2; plus strand). Cytogenetic location: 17q24.3.
Variant type: Insertion.
Coding change: c.5_6insAAGTGTGCGAACCAACCGCTA on transcript NM_000891.3 (MANE Select); coding-DNA positions 5 to 6, AAGTGTGCGAACCAACCGCTA inserted.
Protein change: p.Val4_Ser10dup.
Molecular consequence: inframe insertion.
Genome position: GRCh38 VCF-style: chr17-70175044-G-GAAGTGTGCGAACCAACCGCTA. GRCh37 (hg19) VCF-style: chr17-68171185-G-GAAGTGTGCGAACCAACCGCTA.
Identifiers: ClinVar variation 1060281 (VCV001060281.9), dbSNP rs2074383942, ClinGen allele CA985917862.